The following is an entry in ClinVar:

NM_000252.3(MTM1):c.1260+3G>A

Gene: MTM1 (myotubularin 1; plus strand). Cytogenetic location: Xq28.
Variant type: single nucleotide variant.
Coding change: c.1260+3G>A on transcript NM_000252.3 (MANE Select); 3 bases into the intron after coding-DNA position 1260, G replaced by A.
Molecular consequence: intron variant.
Genome position (GRCh38, 1-based): chrX:150,658,030, G>A. VCF-style: chrX-150658030-G-A. GRCh37 (hg19) VCF-style: chrX-149826503-G-A.
Other names: p.?; c.1260+3G>A (NM_001376908.1, NM_001376906.1); c.1149+3G>A (NM_001376907.1).
Identifiers: ClinVar variation 92669 (VCV000092669.37), dbSNP rs222410, ClinGen allele CA145920.

ClinVar aggregate classification (germline): Benign/Likely benign. Review status: criteria provided, multiple submitters, no conflicts (2 of 4 stars). 18 submissions from 18 submitters: Benign (11); Likely benign (2). 5 of the submissions do not count toward it. Last evaluated 2026-02-04.

Conditions:
Inborn genetic diseases. Identifiers: MedGen C0950123, MeSH D030342.
Severe X-linked myotubular myopathy (CNMX). Also called: Myotubular myopathy, X-linked; MYOTUBULAR MYOPATHY 1; X-linked centronuclear myopathy. Identifiers: Orphanet 596, MedGen C0410203, MONDO:0010683, OMIM 310400.

Allele frequency attached by ClinVar (database versions not stated): gnomAD exomes 0.55575; ExAC 0.57966; gnomAD 0.58566; ESP Exome Variant Server 0.63836; TOPMed 0.64383; 1000 Genomes Project 0.65695; 1000 Genomes Project 30x 0.67014.

Submissions (19):

Labcorp Genetics (formerly Invitae), Labcorp
Classification: Benign for Severe X-linked myotubular myopathy. Last evaluated: 2026-02-04. Review status: criteria provided, single submitter. Criteria: Invitae Variant Classification Sherloc (09022015). Collection method: clinical testing. Allele origin: germline.

Women's Health and Genetics/Laboratory Corporation of America, LabCorp
Classification: Benign. Last evaluated: 2025-11-14. Review status: criteria provided, single submitter. Criteria: LabCorp Variant Classification Summary - May 2015. Collection method: clinical testing. Allele origin: germline.
Comment: Variant summary: MTM1 c.1260+3G>A alters a conserved nucleotide located close to a canonical splice site and therefore could affect mRNA splicing, leading to a significantly altered protein sequence. The variant allele was found at a frequency of 0.56 in 178634 control chromosomes, suggesting that it is the major allele and therefore benign. The observed variant frequency exceeds the estimated maximal expected allele frequency for disease-causing variants in MTM1. To our knowledge, no occurrence of c.1260+3G>A in individuals affected with MTM1-related conditions and no experimental evidence demonstrating its impact on protein function have been reported. ClinVar contains an entry for this variant (Variation ID: 92669). Based on the evidence outlined above, the variant was classified as benign.

Blueprint Genetics
Classification: Benign. Last evaluated: 2024-11-28. Review status: criteria provided, single submitter. Criteria: ACMG Guidelines, 2015. Collection method: clinical testing. Allele origin: germline.

Genome-Nilou Lab
Classification: Benign for Severe X-linked myotubular myopathy. Last evaluated: 2021-07-10. Review status: criteria provided, single submitter. Criteria: ACMG Guidelines, 2015. Collection method: clinical testing. Allele origin: germline. Affected: no.

Mendelics
Classification: Benign for Severe X-linked myotubular myopathy. Last evaluated: 2019-05-28. Review status: criteria provided, single submitter. Criteria: Mendelics Assertion Criteria 2017. Collection method: clinical testing. Allele origin: unknown.

Mayo Clinic Laboratories, Mayo Clinic
Classification: Benign. Last evaluated: 2017-10-04. Review status: criteria provided, single submitter. Criteria: ACMG Guidelines, 2015. Collection method: clinical testing. Allele origin: germline. Observed: 286 variant alleles.

PreventionGenetics, part of Exact Sciences
Classification: Benign. Last evaluated: 2016-03-04. Review status: criteria provided, single submitter. Criteria: ACMG Guidelines, 2015. Collection method: clinical testing. Allele origin: germline.

GeneDx
Classification: Benign. Last evaluated: 2016-01-22. Review status: criteria provided, single submitter. Criteria: GeneDx Variant Classification (06012015). Collection method: clinical testing. Allele origin: germline. Affected: yes.
Comment: This variant is considered likely benign or benign based on one or more of the following criteria: it is a conservative change, it occurs at a poorly conserved position in the protein, it is predicted to be benign by multiple in silico algorithms, and/or has population frequency not consistent with disease.

Eurofins Ntd Llc (ga)
Classification: Benign. Last evaluated: 2015-07-10. Review status: criteria provided, single submitter. Criteria: EGL Classification Definitions 2015. Collection method: clinical testing. Allele origin: germline. Observed: 50 variant alleles, 7 heterozygotes, 6 homozygotes, 37 hemizygotes.

Ambry Genetics
Classification: Benign for Inborn genetic diseases. Last evaluated: 2015-06-22. Review status: criteria provided, single submitter. Criteria: Ambry Variant Classification Scheme 2023. Collection method: clinical testing. Allele origin: germline.

Laboratory for Molecular Medicine, Mass General Brigham Personalized Medicine
Classification: Benign. Last evaluated: 2015-01-13. Review status: criteria provided, single submitter. Criteria: LMM Criteria. Collection method: clinical testing. Allele origin: germline. Observed: 12 variant alleles.
Comment: c.1260+3G>A in intron 11 of MTM1: This variant is not expected to have clinical significance because it has been identified in 49.9% (3355/6728) of European Ame rican chromosomes from a broad population by the NHLBI Exome Sequencing Project (dbSNP rs222410).

Genetic Services Laboratory, University of Chicago
Classification: Likely benign. Last evaluated: 2013-08-15. Review status: criteria provided, single submitter. Criteria: ACMG Guidelines, 2007. Collection method: clinical testing. Allele origin: germline. Inheritance: X-linked inheritance.
Comment: Likely benign based on allele frequency in 1000 Genomes Project or ESP global frequency and its presence in a patient with a rare or unrelated disease phenotype. NOT Sanger confirmed

Breakthrough Genomics
Classification: Likely benign. Review status: criteria provided, single submitter. Criteria: ACMG Guidelines, 2015. Collection method: not provided. Allele origin: germline. Inheritance: X-linked inheritance. Affected: yes.

Natera, Inc.
Classification: Benign for Severe X-linked myotubular myopathy. Last evaluated: 2020-09-16. Review status: no assertion criteria provided. Collection method: clinical testing. Allele origin: germline. Not counted in ClinVar's aggregate classification.

Diagnostic Laboratory, Department of Genetics, University Medical Center Groningen
Classification: Benign for Severe X-linked myotubular myopathy. Review status: no assertion criteria provided. Collection method: clinical testing. Allele origin: germline. Affected: yes. Study: VKGL Data-share Consensus. Not counted in ClinVar's aggregate classification.

Dr. Peter K. Rogan Lab, Western University
No classification provided (evidence only). Condition: Germ cell tumor of testis. Review status: no classification provided. Collection method: in vitro. Allele origin: not applicable. Functional consequence: retained intron. Not counted in ClinVar's aggregate classification.

GeneReviews
No classification provided. Condition: Severe X-linked myotubular myopathy. Review status: no classification provided. Collection method: literature only. Allele origin: germline. Not counted in ClinVar's aggregate classification.

Genome Diagnostics Laboratory, University Medical Center Utrecht
Classification: Benign. Review status: no assertion criteria provided. Collection method: clinical testing. Allele origin: germline. Affected: yes. Study: VKGL Data-share Consensus. Not counted in ClinVar's aggregate classification.

Joint Genome Diagnostic Labs from Nijmegen and Maastricht, Radboudumc and MUMC+
Classification: Benign. Review status: no assertion criteria provided. Collection method: clinical testing. Allele origin: germline. Affected: yes. Study: VKGL Data-share Consensus. Not counted in ClinVar's aggregate classification.

Literature cited by the submitters: PubMed 11793470 (cited by GeneReviews).